The following is an entry in ClinVar:

NM_153460.4(IL17RC):c.1776G>C (p.Trp592Cys)

Gene: IL17RC (interleukin 17 receptor C; plus strand). Cytogenetic location: 3p25.3.
Variant type: single nucleotide variant.
Coding change: c.1776G>C on transcript NM_153460.4 (MANE Select); coding-DNA position 1776, G replaced by C.
Protein change: p.Trp592Cys; replaces tryptophan 592 with cysteine.
Molecular consequence: missense variant. On other transcripts: non-coding transcript variant (1).
Genome position (GRCh38, 1-based): chr3:9,933,206, G>C. VCF-style: chr3-9933206-G-C. GRCh37 (hg19) VCF-style: chr3-9974890-G-C.
Other names: c.1737G>C, p.Trp579Cys (NM_001203263.2); c.1686G>C, p.Trp562Cys (NM_001203264.2); c.1680G>C, p.Trp560Cys (NM_001203265.2); c.1698G>C, p.Trp566Cys (NM_001367278.1); c.1617G>C, p.Trp539Cys (NM_001367279.1); c.1692G>C, p.Trp564Cys (NM_001367280.1); c.1641G>C, p.Trp547Cys (NM_001410711.1); c.1731G>C, p.Trp577Cys (NM_032732.6); and 1 more; short protein forms W566C, W577C, W539C, W547C, W562C, W579C, W592C, W560C.
Identifiers: ClinVar variation 3723285 (VCV003723285.2).

ClinVar aggregate classification (germline): Uncertain significance (1 of 4 stars; one submission).

Conditions:
Candidiasis, familial, 9 (CANDF9). Identifiers: Orphanet 1334, MedGen C4225324, MONDO:0014642, OMIM 616445.

Submission:

Labcorp Genetics (formerly Invitae), Labcorp
Classification: Uncertain significance for Candidiasis, familial, 9. Last evaluated: 2024-10-19. Review status: criteria provided, single submitter. Criteria: Invitae Variant Classification Sherloc (09022015). Collection method: clinical testing. Allele origin: germline.
Comment: This sequence change replaces tryptophan, which is neutral and slightly polar, with cysteine, which is neutral and slightly polar, at codon 663 of the IL17RC protein (p.Trp663Cys). This variant is not present in population databases (gnomAD no frequency). This variant has not been reported in the literature in individuals affected with IL17RC-related conditions. An algorithm developed to predict the effect of missense changes on protein structure and function (PolyPhen-2) suggests that this variant is likely to be disruptive. In summary, the available evidence is currently insufficient to determine the role of this variant in disease. Therefore, it has been classified as a Variant of Uncertain Significance.